The following is an entry in ClinVar:

NM_001282225.2(ADA2):c.898G>C (p.Val300Leu)

Gene: ADA2 (adenosine deaminase 2; minus strand). Cytogenetic location: 22q11.1.
Variant type: single nucleotide variant.
Coding change: c.898G>C on transcript NM_001282225.2 (MANE Select); coding-DNA position 898, G replaced by C.
Protein change: p.Val300Leu; replaces valine 300 with leucine.
Molecular consequence: missense variant.
Genome position (GRCh38, 1-based): chr22:17,190,016, C>G on the plus strand (G>C on the coding strand, the complement: ADA2 is on the minus strand). VCF-style: chr22-17190016-C-G. GRCh37 (hg19) VCF-style: chr22-17670906-C-G.
Other names: c.898G>C, p.Val300Leu (NM_001282226.2); c.772G>C, p.Val258Leu (NM_001282227.2, NM_001282228.2); c.538G>C, p.Val180Leu (NM_001282229.2); c.175G>C, p.Val59Leu (NM_177405.3); short protein forms V180L, V258L, V59L, V300L.
Identifiers: ClinVar variation 1937630 (VCV001937630.5), dbSNP rs967563514, ClinGen allele CA410233802.

ClinVar aggregate classification (germline): Uncertain significance (1 of 4 stars; one submission).

Conditions:
Deficiency of adenosine deaminase 2. Also called: Adenosine Deaminase 2 Deficiency; VASCULITIS, AUTOINFLAMMATION, IMMUNODEFICIENCY, AND HEMATOLOGIC DEFECTS SYNDROME; Polyarteritis nodosa, childhoood-onset. Identifiers: Orphanet 404553, MedGen C3887654, MONDO:0014306, OMIM 615688, MONDO:0100317.

Submission:

Labcorp Genetics (formerly Invitae), Labcorp
Classification: Uncertain significance for Deficiency of adenosine deaminase 2. Last evaluated: 2022-05-04. Review status: criteria provided, single submitter. Criteria: Invitae Variant Classification Sherloc (09022015). Collection method: clinical testing. Allele origin: germline.
Comment: In summary, the available evidence is currently insufficient to determine the role of this variant in disease. Therefore, it has been classified as a Variant of Uncertain Significance. This sequence change replaces valine, which is neutral and non-polar, with leucine, which is neutral and non-polar, at codon 300 of the ADA2 protein (p.Val300Leu). Algorithms developed to predict the effect of missense changes on protein structure and function output the following: SIFT: "Tolerated"; PolyPhen-2: "Benign"; Align-GVGD: "Class C0". The leucine amino acid residue is found in multiple mammalian species, which suggests that this missense change does not adversely affect protein function. This variant has not been reported in the literature in individuals affected with ADA2-related conditions. This variant is not present in population databases (gnomAD no frequency).